The following is an entry in ClinVar:

NM_052813.5(CARD9):c.874C>T (p.Arg292Trp)

Gene: CARD9 (caspase recruitment domain family member 9; minus strand). Cytogenetic location: 9q34.3.
Variant type: single nucleotide variant.
Coding change: c.874C>T on transcript NM_052813.5 (MANE Select); coding-DNA position 874, C replaced by T.
Protein change: p.Arg292Trp; replaces arginine 292 with tryptophan.
Molecular consequence: missense variant.
Genome position (GRCh38, 1-based): chr9:136,370,371, G>A on the plus strand (C>T on the coding strand, the complement: CARD9 is on the minus strand). VCF-style: chr9-136370371-G-A. GRCh37 (hg19) VCF-style: chr9-139264823-G-A.
Other names: c.874C>T, p.Arg292Trp (NM_052814.4); short protein forms R292W.
Identifiers: ClinVar variation 1944032 (VCV001944032.2), dbSNP rs372651415, ClinGen allele CA5332947.

ClinVar aggregate classification (germline): Uncertain significance (1 of 4 stars; one submission).

Conditions:
Predisposition to invasive fungal disease due to CARD9 deficiency (IMD103). Also called: CARD9 IMMUNODEFICIENCY; IMMUNODEFICIENCY 103, SUSCEPTIBILITY TO FUNGAL INFECTIONS; Candidiasis, familial, 2, autosomal recessive. Identifiers: Orphanet 457088, MedGen C1859353, MONDO:0008905, OMIM 212050.

Allele frequency attached by ClinVar (database versions not stated): TOPMed below 0.00001; gnomAD exomes 0.00001; ExAC 0.00008; ESP Exome Variant Server 0.00008.
gnomAD v4.1: 18 of 1,609,380 alleles (0.0011%); highest among the groups gnomAD compares: Admixed American, 0.0017%; no homozygotes.

Submission:

Labcorp Genetics (formerly Invitae), Labcorp
Classification: Uncertain significance for Predisposition to invasive fungal disease due to CARD9 deficiency. Last evaluated: 2022-07-03. Review status: criteria provided, single submitter. Criteria: Invitae Variant Classification Sherloc (09022015). Collection method: clinical testing. Allele origin: germline.
Comment: This sequence change replaces arginine, which is basic and polar, with tryptophan, which is neutral and slightly polar, at codon 292 of the CARD9 protein (p.Arg292Trp). This variant is present in population databases (rs372651415, gnomAD 0.007%). This variant has not been reported in the literature in individuals affected with CARD9-related conditions. Algorithms developed to predict the effect of missense changes on protein structure and function are either unavailable or do not agree on the potential impact of this missense change (SIFT: "Deleterious"; PolyPhen-2: "Possibly Damaging"; Align-GVGD: "Class C0"). In summary, the available evidence is currently insufficient to determine the role of this variant in disease. Therefore, it has been classified as a Variant of Uncertain Significance.